The following is an entry in ClinVar:

ClinVar aggregate classification (germline): Benign (1 of 4 stars; one submission).

Allele frequency attached by ClinVar (database versions not stated): TOPMed 0.50790; gnomAD 0.50901 and 0.52087; 1000 Genomes Project 30x 0.54466; 1000 Genomes Project 0.55371.
gnomAD v4.1: 79,334 of 151,826 alleles (52%); highest among the groups gnomAD compares: South Asian, 75%; 23,074 homozygotes.

Submissions (12):

GeneDx
Classification: Benign. Last evaluated: 2018-06-14. Review status: criteria provided, single submitter. Criteria: GeneDx Variant Classification (06012015). Collection method: clinical testing. Allele origin: germline. Affected: yes.
Comment: This variant is considered likely benign or benign based on one or more of the following criteria: it is a conservative change, it occurs at a poorly conserved position in the protein, it is predicted to be benign by multiple in silico algorithms, and/or has population frequency not consistent with disease.

Dr. Peter K. Rogan Lab, Western University
No classification provided (evidence only). Condition: Familial cancer of breast. Review status: no classification provided. Collection method: in vitro. Allele origin: not applicable. Functional consequence: retained intron. Not counted in ClinVar's aggregate classification.

Dr. Peter K. Rogan Lab, Western University
No classification provided (evidence only). Condition: Uterine corpus endometrial carcinoma. Review status: no classification provided. Collection method: in vitro. Allele origin: not applicable. Functional consequence: retained intron. Not counted in ClinVar's aggregate classification.

Dr. Peter K. Rogan Lab, Western University
No classification provided (evidence only). Condition: Uterine corpus endometrial carcinoma. Review status: no classification provided. Collection method: in vitro. Allele origin: not applicable. Functional consequence: skipped exon. Not counted in ClinVar's aggregate classification.

Dr. Peter K. Rogan Lab, Western University
No classification provided (evidence only). Condition: Uterine corpus endometrial carcinoma. Review status: no classification provided. Collection method: in vitro. Allele origin: not applicable. Functional consequence: skipped exon. Not counted in ClinVar's aggregate classification.

Dr. Peter K. Rogan Lab, Western University
No classification provided (evidence only). Condition: Sarcoma. Review status: no classification provided. Collection method: in vitro. Allele origin: not applicable. Functional consequence: retained intron. Not counted in ClinVar's aggregate classification.

Dr. Peter K. Rogan Lab, Western University
No classification provided (evidence only). Condition: Sarcoma. Review status: no classification provided. Collection method: in vitro. Allele origin: not applicable. Functional consequence: skipped exon. Not counted in ClinVar's aggregate classification.

Dr. Peter K. Rogan Lab, Western University
No classification provided (evidence only). Condition: Sarcoma. Review status: no classification provided. Collection method: in vitro. Allele origin: not applicable. Functional consequence: skipped exon. Not counted in ClinVar's aggregate classification.

Dr. Peter K. Rogan Lab, Western University
No classification provided (evidence only). Condition: Sarcoma. Review status: no classification provided. Collection method: in vitro. Allele origin: not applicable. Functional consequence: skipped exon. Not counted in ClinVar's aggregate classification.

Dr. Peter K. Rogan Lab, Western University
No classification provided (evidence only). Condition: Malignant lymphoma, large B-cell, diffuse. Review status: no classification provided. Collection method: in vitro. Allele origin: not applicable. Functional consequence: skipped exon, retained intron. Not counted in ClinVar's aggregate classification.

Dr. Peter K. Rogan Lab, Western University
No classification provided (evidence only). Condition: Cholangiocarcinoma. Review status: no classification provided. Collection method: in vitro. Allele origin: not applicable. Functional consequence: retained intron. Not counted in ClinVar's aggregate classification.

Dr. Peter K. Rogan Lab, Western University
No classification provided (evidence only). Condition: Cholangiocarcinoma. Review status: no classification provided. Collection method: in vitro. Allele origin: not applicable. Functional consequence: retained intron. Not counted in ClinVar's aggregate classification.

NM_021074.5(NDUFV2):c.121-289T>G

Gene: NDUFV2 (NADH:ubiquinone oxidoreductase core subunit V2; plus strand). Cytogenetic location: 18p11.22.
Variant type: single nucleotide variant.
Coding change: c.121-289T>G on transcript NM_021074.5 (MANE Select); 289 bases into the intron before coding-DNA position 121, T replaced by G.
Molecular consequence: intron variant.
Genome position (GRCh38, 1-based): chr18:9,119,037, T>G. VCF-style: chr18-9119037-T-G. GRCh37 (hg19) VCF-style: chr18-9119035-T-G.
Other names: NC_000018.9:g.9119035T>G.
Identifiers: ClinVar variation 669520 (VCV000669520.2), dbSNP rs977581, ClinGen allele CA15931878.
Genomic context (GRCh38, chr18:9,119,037, plus strand): 5'-TAAAGGCTTCCAATAATTGGTAATGTTTTGGTAATTCTATCAGAAGATCTTACTCTCTAA[T>G]GAAGCTGGATAACACTTTTTGTTGTTTGGGTTTTTTTGGTCCTAAAGGTACTTCTCTTAT-3'